The following is an entry in ClinVar:

ClinVar aggregate classification (germline): Uncertain significance. Review status: criteria provided, multiple submitters, no conflicts (2 of 4 stars). 4 submissions from 4 submitters: Uncertain significance (4). Last evaluated 2026-01-10.

Conditions:
Hereditary cancer-predisposing syndrome. Also called: Neoplastic Syndromes, Hereditary; Hereditary neoplastic syndrome; Hereditary Cancer Syndrome; Tumor predisposition. Identifiers: Orphanet 140162, MedGen C0027672, MeSH D009386, MONDO:0015356.
Cardiovascular phenotype. Identifiers: MedGen CN230736.

Allele frequency attached by ClinVar (database versions not stated): ExAC 0.00001; gnomAD 0.00001; gnomAD exomes 0.00001.

Submissions (4):

Women's Health and Genetics/Laboratory Corporation of America, LabCorp
Classification: Uncertain significance. Last evaluated: 2026-01-10. Review status: criteria provided, single submitter. Criteria: LabCorp Variant Classification Summary - May 2015. Collection method: clinical testing. Allele origin: germline.
Comment: Variant summary: LZTR1 c.2216C>T (p.Ser739Leu) results in a non-conservative amino acid change located in the BTB/POZ domain (IPR000210) of the encoded protein sequence. Algorithms developed to predict the effect of missense changes on protein structure and function are either unavailable or do not agree on the potential impact of this missense change. The variant allele was found at a frequency of 8e-06 in 249518 control chromosomes. The available data on variant occurrences in the general population are insufficient to allow any conclusion about variant significance. To our knowledge, no occurrence of c.2216C>T in individuals affected with LZTR1-related conditions and no experimental evidence demonstrating its impact on protein function have been reported. ClinVar contains an entry for this variant (Variation ID: 992478). Based on the evidence outlined above, the variant was classified as uncertain significance.

Labcorp Genetics (formerly Invitae), Labcorp
Classification: Uncertain significance. Last evaluated: 2025-09-12. Review status: criteria provided, single submitter. Criteria: Invitae Variant Classification Sherloc (09022015). Collection method: clinical testing. Allele origin: germline.
Comment: This sequence change replaces serine, which is neutral and polar, with leucine, which is neutral and non-polar, at codon 739 of the LZTR1 protein (p.Ser739Leu). This variant is present in population databases (rs762991620, gnomAD 0.003%). This variant has not been reported in the literature in individuals affected with LZTR1-related conditions. ClinVar contains an entry for this variant (Variation ID: 992478). Invitae Evidence Modeling of protein sequence and biophysical properties (such as structural, functional, and spatial information, amino acid conservation, physicochemical variation, residue mobility, and thermodynamic stability) indicates that this missense variant is not expected to disrupt LZTR1 protein function with a negative predictive value of 80%. In summary, the available evidence is currently insufficient to determine the role of this variant in disease. Therefore, it has been classified as a Variant of Uncertain Significance.

Ambry Genetics
Classification: Uncertain significance for Cardiovascular phenotype; Hereditary cancer-predisposing syndrome. Last evaluated: 2024-02-21. Review status: criteria provided, single submitter. Criteria: Ambry Variant Classification Scheme 2023. Collection method: clinical testing. Allele origin: germline.
Comment: The p.S739L variant (also known as c.2216C>T), located in coding exon 18 of the LZTR1 gene, results from a C to T substitution at nucleotide position 2216. The serine at codon 739 is replaced by leucine, an amino acid with dissimilar properties. This amino acid position is highly conserved in available vertebrate species. In addition, the in silico prediction for this alteration is inconclusive. Based on the available evidence, the clinical significance of this alteration remains unclear.

GeneDx
Classification: Uncertain significance. Last evaluated: 2023-10-26. Review status: criteria provided, single submitter. Criteria: GeneDx Variant Classification Process June 2021. Collection method: clinical testing. Allele origin: germline. Affected: yes.
Comment: Not observed at significant frequency in large population cohorts (gnomAD); In silico analysis supports that this missense variant has a deleterious effect on protein structure/function; Has not been previously published as pathogenic or benign to our knowledge; This variant is associated with the following publications: (PMID: 33847622)

NM_006767.4(LZTR1):c.2216C>T (p.Ser739Leu)

Gene: LZTR1 (leucine zipper like post translational regulator 1; plus strand). Cytogenetic location: 22q11.21.
Variant type: single nucleotide variant.
Coding change: c.2216C>T on transcript NM_006767.4 (MANE Select); coding-DNA position 2216, C replaced by T.
Protein change: p.Ser739Leu; replaces serine 739 with leucine.
Molecular consequence: missense variant.
Genome position (GRCh38, 1-based): chr22:20,996,109, C>T. VCF-style: chr22-20996109-C-T. GRCh37 (hg19) VCF-style: chr22-21350398-C-T.
Other names: short protein forms S739L.
Identifiers: ClinVar variation 992478 (VCV000992478.9), dbSNP rs762991620, ClinGen allele CA10119276.